The following is an entry in ClinVar:

GRCh38/hg38 11q22.1(chr11:101580685-101907935)x3

Genes: ANGPTL5 (angiopoietin like 5; minus strand), TRPC6 (transient receptor potential cation channel subfamily C member 6; minus strand). Cytogenetic location: 11q22.1.
Variant type: copy number gain.
Change: copy number 3 (three copies instead of two) of chr11:101,580,685-101,907,935 (327.3 kb, GRCh38 coordinates, 1-based), cytogenetic band 11q22.1.
Identifiers: ClinVar variation 58186 (VCV000058186.2).

ClinVar aggregate classification (germline): Uncertain significance (1 of 4 stars; one submission).

Submission:

ISCA Site 6
Classification: Uncertain significance. Last evaluated: 2011-08-12. Review status: criteria provided, single submitter. Criteria: Kaminsky et al. (Genet Med. 2011). Collection method: clinical testing. Allele origin: maternal. Affected: yes. Observed: 1 variant allele.
Comment: Copy number variation identified through the course of routine clinical cytogenomic testing in postnatal populations. Clinical assertions have been curated as described in Kaminsky et al. 2011.